The following is an entry in ClinVar:

NM_007078.3(LDB3):c.1469G>A (p.Trp490Ter)

Gene: LDB3 (LIM domain binding 3; plus strand). Cytogenetic location: 10q23.2.
Variant type: single nucleotide variant.
Coding change: c.1469G>A on transcript NM_007078.3 (MANE Select); coding-DNA position 1469, G replaced by A.
Protein change: p.Trp490Ter; replaces tryptophan 490 with a stop codon.
Molecular consequence: nonsense.
Genome position (GRCh38, 1-based): chr10:86,716,564, G>A. VCF-style: chr10-86716564-G-A. GRCh37 (hg19) VCF-style: chr10-88476321-G-A.
Other names: c.1139G>A, p.Trp380Ter (NM_001080114.2); c.1484G>A, p.Trp495Ter (NM_001171610.2); c.1280G>A, p.Trp427Ter (NM_001368064.1, NM_001368065.1); c.1328G>A, p.Trp443Ter (NM_001368066.1); short protein forms W495*, W380*, W443*, W427*, W490*.
Identifiers: ClinVar variation 3722082 (VCV003722082.4).

ClinVar aggregate classification (germline): Conflicting classifications of pathogenicity. Review status: criteria provided, conflicting classifications (1 of 4 stars). 3 submissions from 3 submitters: Pathogenic (1); Uncertain significance (2). Last evaluated 2025-07-29.

Conditions:
Cardiovascular phenotype. Identifiers: MedGen CN230736.
Myofibrillar myopathy 4. Also called: Zaspopathy (type). Identifiers: Orphanet 98912, MedGen C4721886, MONDO:0012277, OMIM 609452.

gnomAD v4.1: 1 of 1,613,584 alleles (0.000062%); highest among the groups gnomAD compares: Non-Finnish European, 0.000085%; no homozygotes.

Submissions (3):

GeneDx
Classification: Uncertain significance. Last evaluated: 2025-07-29. Review status: criteria provided, single submitter. Criteria: GeneDx Variant Classification Process June 2021. Collection method: clinical testing. Allele origin: germline. Affected: yes.
Comment: Not observed at significant frequency in large population cohorts (gnomAD); Nonsense variant predicted to result in protein truncation or nonsense mediated decay in a gene or region of a gene for which loss of function is not a well-established mechanism of disease; Has not been previously published as pathogenic or benign to our knowledge; Reported using an alternate transcript of the gene

Ambry Genetics
Classification: Uncertain significance for Cardiovascular phenotype. Last evaluated: 2025-04-14. Review status: criteria provided, single submitter. Criteria: Ambry Variant Classification Scheme 2023. Collection method: clinical testing. Allele origin: germline.
Comment: The p.W490* variant (also known as c.1469G>A), located in coding exon 9 of the LDB3 gene, results from a G to A substitution at nucleotide position 1469. This changes the amino acid from a tryptophan to a stop codon within coding exon 9. This alteration is expected to result in protein truncation or nonsense-mediated mRNA decay. However, loss of function of LDB3 has not been established as a mechanism of disease. Based on the available evidence, the clinical significance of this alteration remains unclear.

Labcorp Genetics (formerly Invitae), Labcorp
Classification: Pathogenic for Myofibrillar myopathy 4. Last evaluated: 2024-02-09. Review status: criteria provided, single submitter. Criteria: Invitae Variant Classification Sherloc (09022015). Collection method: clinical testing. Allele origin: germline.
Comment: The LDB3 gene has multiple clinically relevant transcripts. This variant occurs in alternate transcript NM_007078.3, and corresponds to NM_001080116.1:c.*17190G>A in the primary transcript. This sequence change creates a premature translational stop signal (p.Trp490*) in the LDB3 gene. It is expected to result in an absent or disrupted protein product. Loss-of-function variants in LDB3 are known to be pathogenic (PMID: 36253531). This variant is not present in population databases (gnomAD no frequency). This variant has not been reported in the literature in individuals affected with LDB3-related conditions. For these reasons, this variant has been classified as Pathogenic.

Literature cited by the submitters: PubMed 36253531 (cited by Labcorp Genetics (formerly Invitae), Labcorp).